The following is an entry in ClinVar:

NM_001743.6(CALM2):c.422-10T>A

Gene: CALM2 (calmodulin 2; minus strand). Cytogenetic location: 2p21.
Variant type: single nucleotide variant.
Coding change: c.422-10T>A on transcript NM_001743.6 (MANE Select); 10 bases into the intron before coding-DNA position 422, T replaced by A.
Molecular consequence: intron variant.
Genome position (GRCh38, 1-based): chr2:47,160,814, A>T on the plus strand (T>A on the coding strand, the complement: CALM2 is on the minus strand). VCF-style: chr2-47160814-A-T. GRCh37 (hg19) VCF-style: chr2-47387953-A-T.
Other names: c.566-10T>A (NM_001305624.1); c.314-10T>A (NM_001305626.1, NM_001305625.2).
Identifiers: ClinVar variation 4709313 (VCV004709313.1).

ClinVar aggregate classification (germline): Uncertain significance (1 of 4 stars; one submission).

Conditions:
Long QT syndrome 1 (LQT1). Identifiers: Orphanet 101016, Orphanet 768, MedGen C4551647, MONDO:0100316, OMIM 192500, MONDO:0008646.

Submission:

Labcorp Genetics (formerly Invitae), Labcorp
Classification: Uncertain significance for Long QT syndrome 1. Last evaluated: 2025-07-06. Review status: criteria provided, single submitter. Criteria: Invitae Variant Classification Sherloc (09022015). Collection method: clinical testing. Allele origin: germline.
Comment: This sequence change falls in intron 5 of the CALM2 gene. It does not directly change the encoded amino acid sequence of the CALM2 protein. This variant is not present in population databases (gnomAD no frequency). This variant has not been reported in the literature in individuals affected with CALM2-related conditions. Algorithms developed to predict the effect of sequence changes on RNA splicing suggest that this variant may disrupt the consensus splice site. In summary, the available evidence is currently insufficient to determine the role of this variant in disease. Therefore, it has been classified as a Variant of Uncertain Significance.